The following is an entry in ClinVar:

ClinVar aggregate classification (germline): Uncertain significance (1 of 4 stars; one submission).

Conditions:
Acute myeloid leukemia (AML). Also called: Acute myeloid leukemia, adult; AML adult; Acute non-lymphocytic leukemia; Acute granulocytic leukemia; Leukemia, acute myeloid, somatic; Leukemia, acute myelogenous, somatic. Identifiers: Orphanet 519, MedGen C0023467, MeSH D015470, MONDO:0018874, OMIM 601626, HP:0004808. Disease mechanism: Constitutively activated FLT3.

Submission:

Labcorp Genetics (formerly Invitae), Labcorp
Classification: Uncertain significance for Acute myeloid leukemia. Last evaluated: 2022-04-02. Review status: criteria provided, single submitter. Criteria: Invitae Variant Classification Sherloc (09022015). Collection method: clinical testing. Allele origin: germline.
Comment: This variant has not been reported in the literature in individuals affected with CEBPA-related conditions. This variant is not present in population databases (gnomAD no frequency). This sequence change replaces alanine, which is neutral and non-polar, with threonine, which is neutral and polar, at codon 40 of the CEBPA protein (p.Ala40Thr). Algorithms developed to predict the effect of missense changes on protein structure and function (SIFT, PolyPhen-2, Align-GVGD) all suggest that this variant is likely to be tolerated. In summary, the available evidence is currently insufficient to determine the role of this variant in disease. Therefore, it has been classified as a Variant of Uncertain Significance.

NM_004364.5(CEBPA):c.118G>A (p.Ala40Thr)

Gene: CEBPA (CCAAT enhancer binding protein alpha; minus strand). Cytogenetic location: 19q13.11.
Variant type: single nucleotide variant.
Coding change: c.118G>A on transcript NM_004364.5 (MANE Select); coding-DNA position 118, G replaced by A.
Protein change: p.Ala40Thr; replaces alanine 40 with threonine.
Molecular consequence: missense variant. On other transcripts: 5 prime UTR variant (1).
Genome position (GRCh38, 1-based): chr19:33,302,297, C>T on the plus strand (G>A on the coding strand, the complement: CEBPA is on the minus strand). VCF-style: chr19-33302297-C-T. GRCh37 (hg19) VCF-style: chr19-33793203-C-T.
Other names: c.-240G>A (NM_001285829.2); c.223G>A, p.Ala75Thr (NM_001287424.2); c.76G>A, p.Ala26Thr (NM_001287435.2); short protein forms A40T, A26T, A75T.
Identifiers: ClinVar variation 2045126 (VCV002045126.4), dbSNP rs2145264401, ClinGen allele CA405275641.
Genomic context (GRCh38, chr19:33,302,297, plus strand): 5'-TCTCGTGCTCGCAGATGCCGCCCAGCGGCTCCGGGGCGGCAGGTGGGGCGGGAGGCTGCG[C>T]GGGGCCCGCGCCCCGGGGAAAGCCGAAGGCGGCGCTGCTGGGCGCGTGCGGGGGGCTCTG-3'
Protein context (NP_004355.2, residues 30-50): AFGFPRGAGP[Ala40Thr]QPPAPPAAPE